The following is an entry in ClinVar:

NM_000451.4(SHOX):c.751G>A (p.Ala251Thr)

Gene: SHOX (SHOX homeobox; plus strand). Cytogenetic location: Xp22.33.
Variant type: single nucleotide variant.
Coding change: c.751G>A on transcript NM_000451.4 (MANE Select); coding-DNA position 751, G replaced by A.
Protein change: p.Ala251Thr; replaces alanine 251 with threonine.
Molecular consequence: missense variant. On other transcripts: intron variant (1).
Genome position (GRCh38, 1-based): chrX:644,508, G>A. VCF-style: chrX-644508-G-A. GRCh37 (hg19) VCF-style: chrX-605243-G-A.
Other names: c.633+3421G>A (NM_006883.2); short protein forms A251T.
Identifiers: ClinVar variation 2637770 (VCV002637770.1), dbSNP rs2522148603, ClinGen allele CA412232201.
Genomic context (GRCh38, chrX:644,508, plus strand): 5'-CACCTGGCGGCGCACGCGCCCTACCTGATGTTCCCCCCGCCGCCCTTCGGGCTGCCCATC[G>A]CGTCGCTGGCCGAGTCCGCCTCGGCCGCCGCCGTGGTCGCCGCCGCCGCCAAAAGCAACA-3'
Protein context (NP_000442.1, residues 241-261): FPPPPFGLPI[Ala251Thr]SLAESASAAA

ClinVar aggregate classification (germline): Uncertain significance (1 of 4 stars; one submission).

Allele frequency attached by ClinVar (database versions not stated): gnomAD exomes below 0.00001.
gnomAD v4.1: 3 of 1,520,620 alleles (0.0002%); highest among the groups gnomAD compares: Non-Finnish European, 0.000088%; no homozygotes.

Submission:

Women's Health and Genetics/Laboratory Corporation of America, LabCorp
Classification: Uncertain significance. Last evaluated: 2023-10-17. Review status: criteria provided, single submitter. Criteria: LabCorp Variant Classification Summary - May 2015. Collection method: clinical testing. Allele origin: germline.
Comment: Variant summary: SHOX c.751G>A (p.Ala251Thr) results in a non-conservative amino acid change in the encoded protein sequence. Four of five in-silico tools predict a benign effect of the variant on protein function. The variant was absent in 117070 control chromosomes. The available data on variant occurrences in the general population are insufficient to allow any conclusion about variant significance. To our knowledge, no occurrence of c.751G>A in individuals affected with Leri-Weill Dyschondrosteosis and no experimental evidence demonstrating its impact on protein function have been reported. No submitters have cited clinical-significance assessments for this variant to ClinVar after 2014. Based on the evidence outlined above, the variant was classified as uncertain significance.